The following is an entry in ClinVar:

ClinVar aggregate classification (germline): Uncertain significance. Review status: criteria provided, multiple submitters, no conflicts (2 of 4 stars). 2 submissions from 2 submitters: Uncertain significance (2). Last evaluated 2025-04-28.

Allele frequency attached by ClinVar (database versions not stated): gnomAD 0.00001; gnomAD exomes 0.00001.
gnomAD v4.1: 13 of 1,613,870 alleles (0.00081%); highest among the groups gnomAD compares: East Asian, 0.0045%; no homozygotes.

Submissions (2):

ARUP Laboratories, Molecular Genetics and Genomics, ARUP Laboratories
Classification: Uncertain significance. Last evaluated: 2025-04-28. Review status: criteria provided, single submitter. Criteria: ARUP Molecular Germline Variant Investigation Process 2024. Collection method: clinical testing. Allele origin: germline.

Labcorp Genetics (formerly Invitae), Labcorp
Classification: Uncertain significance. Last evaluated: 2023-12-05. Review status: criteria provided, single submitter. Criteria: Invitae Variant Classification Sherloc (09022015). Collection method: clinical testing. Allele origin: germline.
Comment: This sequence change replaces asparagine, which is neutral and polar, with serine, which is neutral and polar, at codon 2136 of the CACNA1D protein (p.Asn2136Ser). The frequency data for this variant in the population databases is considered unreliable, as metrics indicate poor data quality at this position in the gnomAD database. This variant has not been reported in the literature in individuals affected with CACNA1D-related conditions. An algorithm developed to predict the effect of missense changes on protein structure and function (PolyPhen-2) suggests that this variant is likely to be tolerated. In summary, the available evidence is currently insufficient to determine the role of this variant in disease. Therefore, it has been classified as a Variant of Uncertain Significance.

NM_001128840.3(CACNA1D):c.6347A>G (p.Asn2116Ser)

Gene: CACNA1D (calcium voltage-gated channel subunit alpha1 D; plus strand). Cytogenetic location: 3p21.1.
Variant type: single nucleotide variant.
Coding change: c.6347A>G on transcript NM_001128840.3 (MANE Select); coding-DNA position 6347, A replaced by G.
Protein change: p.Asn2116Ser; replaces asparagine 2116 with serine.
Molecular consequence: missense variant.
Genome position (GRCh38, 1-based): chr3:53,811,267, A>G. VCF-style: chr3-53811267-A-G. GRCh37 (hg19) VCF-style: chr3-53845294-A-G.
Other names: c.6407A>G, p.Asn2136Ser (NM_000720.4); c.6275A>G, p.Asn2092Ser (NM_001128839.3); short protein forms N2116S, N2092S, N2136S.
Identifiers: ClinVar variation 2996760 (VCV002996760.4), dbSNP rs1165972232, ClinGen allele CA353259292.